The following is an entry in ClinVar:

NM_001386140.1(MTTP):c.2056C>T (p.Leu686Phe)

Gene: MTTP (microsomal triglyceride transfer protein; plus strand). Cytogenetic location: 4q23.
Variant type: single nucleotide variant.
Coding change: c.2056C>T on transcript NM_001386140.1 (MANE Select); coding-DNA position 2056, C replaced by T.
Protein change: p.Leu686Phe; replaces leucine 686 with phenylalanine.
Molecular consequence: missense variant.
Genome position (GRCh38, 1-based): chr4:99,612,979, C>T. VCF-style: chr4-99612979-C-T. GRCh37 (hg19) VCF-style: chr4-100534136-C-T.
Other names: c.2056C>T (NM_000253.3); c.2056C>T, p.Leu686Phe (NM_000253.4); c.1807C>T, p.Leu603Phe (NM_001300785.2); short protein forms L686F, L603F.
Identifiers: ClinVar variation 2107959 (VCV002107959.5), dbSNP rs781286289, ClinGen allele CA3022286.

ClinVar aggregate classification (germline): Uncertain significance. Review status: criteria provided, single submitter (1 of 4 stars). 2 submissions from 2 submitters: Uncertain significance (1). 1 of the submissions does not count toward it. Last evaluated 2022-03-09.

Conditions:
Abetalipoproteinaemia (ABL). Also called: MTP DEFICIENCY; Abetalipoproteinemia; Abetalipoproteinemia neuropathy; Apolipoprotein B deficiency; Congenital betalipoprotein deficiency syndrome. Identifiers: Orphanet 14, MedGen C0000744, MONDO:0008692, OMIM 200100, HP:0008181.

Allele frequency attached by ClinVar (database versions not stated): gnomAD exomes below 0.00001; ExAC 0.00001.
gnomAD v4.1: 3 of 1,614,046 alleles (0.00019%); highest among the groups gnomAD compares: South Asian, 0.0011%; no homozygotes.

Submissions (2):

Labcorp Genetics (formerly Invitae), Labcorp
Classification: Uncertain significance. Last evaluated: 2022-03-09. Review status: criteria provided, single submitter. Criteria: Invitae Variant Classification Sherloc (09022015). Collection method: clinical testing. Allele origin: germline.
Comment: In summary, the available evidence is currently insufficient to determine the role of this variant in disease. Therefore, it has been classified as a Variant of Uncertain Significance. Algorithms developed to predict the effect of missense changes on protein structure and function are either unavailable or do not agree on the potential impact of this missense change (SIFT: "Tolerated"; PolyPhen-2: "Possibly Damaging"; Align-GVGD: "Class C0"). This variant has not been reported in the literature in individuals affected with MTTP-related conditions. This variant is present in population databases (rs781286289, gnomAD 0.003%). This sequence change replaces leucine, which is neutral and non-polar, with phenylalanine, which is neutral and non-polar, at codon 686 of the MTTP protein (p.Leu686Phe).

Natera, Inc.
Classification: Uncertain significance for Abetalipoproteinemia. Last evaluated: 2025-03-17. Review status: no assertion criteria provided. Collection method: clinical testing. Allele origin: germline. Not counted in ClinVar's aggregate classification.